The following is an entry in ClinVar:

ClinVar aggregate classification (germline): Uncertain significance (1 of 4 stars; one submission).

gnomAD v4.1: 4 of 1,613,484 alleles (0.00025%); highest among the groups gnomAD compares: Admixed American, 0.0033%; no homozygotes.

Submission:

Labcorp Genetics (formerly Invitae), Labcorp
Classification: Uncertain significance. Last evaluated: 2025-12-23. Review status: criteria provided, single submitter. Criteria: Invitae Variant Classification Sherloc (09022015). Collection method: clinical testing. Allele origin: germline.
Comment: This sequence change replaces leucine, which is neutral and non-polar, with serine, which is neutral and polar, at codon 895 of the RP1 protein (p.Leu895Ser). This variant is present in population databases (no rsID available, gnomAD 0.006%). This variant has not been reported in the literature in individuals affected with RP1-related conditions. An algorithm developed to predict the effect of missense changes on protein structure and function (PolyPhen-2) suggests that this variant is likely to be disruptive. In summary, the available evidence is currently insufficient to determine the role of this variant in disease. Therefore, it has been classified as a Variant of Uncertain Significance.

NM_006269.2(RP1):c.2684T>C (p.Leu895Ser)

Gene: RP1 (RP1 axonemal microtubule associated; plus strand). Cytogenetic location: 8q12.1.
Variant type: single nucleotide variant.
Coding change: c.2684T>C on transcript NM_006269.2 (MANE Select); coding-DNA position 2684, T replaced by C.
Protein change: p.Leu895Ser; replaces leucine 895 with serine.
Molecular consequence: missense variant. On other transcripts: intron variant (1).
Genome position (GRCh38, 1-based): chr8:54,626,566, T>C. VCF-style: chr8-54626566-T-C. GRCh37 (hg19) VCF-style: chr8-55539126-T-C.
Other names: c.787+4278T>C (NM_001375654.1); short protein forms L895S.
Identifiers: ClinVar variation 4694996 (VCV004694996.1).